The following is an entry in ClinVar:

ClinVar aggregate classification (germline): Uncertain significance. Review status: criteria provided, multiple submitters, no conflicts (2 of 4 stars). 3 submissions from 3 submitters: Uncertain significance (3). Last evaluated 2025-09-01.

Conditions:
Cardiovascular phenotype. Identifiers: MedGen CN230736.
Capillary malformation-arteriovenous malformation syndrome. Also called: Capillary malformation-arteriovenous malformation. Identifiers: Orphanet 137667, MedGen C1842180, MONDO:0012016.

Submissions (3):

Ambry Genetics
Classification: Uncertain significance for Cardiovascular phenotype. Last evaluated: 2025-09-01. Review status: criteria provided, single submitter. Criteria: Ambry Variant Classification Scheme 2023. Collection method: clinical testing. Allele origin: germline.

Labcorp Genetics (formerly Invitae), Labcorp
Classification: Uncertain significance for Capillary malformation-arteriovenous malformation syndrome. Last evaluated: 2024-10-28. Review status: criteria provided, single submitter. Criteria: Invitae Variant Classification Sherloc (09022015). Collection method: clinical testing. Allele origin: germline.
Comment: This sequence change replaces alanine, which is neutral and non-polar, with threonine, which is neutral and polar, at codon 273 of the RASA1 protein (p.Ala273Thr). This variant is present in population databases (rs758459460, gnomAD 0.002%). This variant has not been reported in the literature in individuals affected with RASA1-related conditions. An algorithm developed to predict the effect of missense changes on protein structure and function (PolyPhen-2) suggests that this variant is likely to be tolerated. In summary, the available evidence is currently insufficient to determine the role of this variant in disease. Therefore, it has been classified as a Variant of Uncertain Significance.

Blueprint Genetics
Classification: Uncertain significance. Last evaluated: 2019-11-19. Review status: criteria provided, single submitter. Criteria: ACMG Guidelines, 2015. Collection method: clinical testing. Allele origin: germline.

NM_002890.3(RASA1):c.817G>A (p.Ala273Thr)

Genes: CCNH (cyclin H; minus strand), RASA1 (RAS p21 protein activator 1; plus strand). Cytogenetic location: 5q14.3.
Variant type: single nucleotide variant.
Coding change: c.817G>A on transcript NM_002890.3 (MANE Select); coding-DNA position 817, G replaced by A.
Protein change: p.Ala273Thr; replaces alanine 273 with threonine.
Molecular consequence: missense variant. On other transcripts: intron variant (1).
Genome position (GRCh38, 1-based): chr5:87,332,631, G>A. VCF-style: chr5-87332631-G-A. GRCh37 (hg19) VCF-style: chr5-86628448-G-A.
Other names: c.286G>A, p.Ala96Thr (NM_022650.3); c.934-19836C>T (NM_001364075.2); short protein forms A96T, A273T.
Identifiers: ClinVar variation 3690219 (VCV003690219.4).
Genomic context (GRCh38, chr5:87,332,631, plus strand): 5'-ATAGGTTATTACAGTCATGTTTCTTGTTTGCTTAAAGGAGAAAAATTACTTTACCCAGTT[G>A]CACCACCAGAGGCAAGTAAAATGAATAAAATATCTTTCAAAACTTTATTTTTTCAGTACA-3'
Protein context (NP_002881.1, residues 263-283): LKGEKLLYPV[Ala273Thr]PPEPVEDRRR